The following is an entry in ClinVar:

ClinVar aggregate classification (germline): Uncertain significance. Review status: criteria provided, multiple submitters, no conflicts (2 of 4 stars). 2 submissions from 2 submitters: Uncertain significance (2). Last evaluated 2021-06-21.

Allele frequency attached by ClinVar (database versions not stated): gnomAD 0.00004; gnomAD exomes 0.00005 and 0.00013; ExAC 0.00006; TOPMed 0.00007; ESP Exome Variant Server 0.00015.
gnomAD v4.1: 184 of 1,613,660 alleles (0.011%); highest among the groups gnomAD compares: Non-Finnish European, 0.015%; no homozygotes.

Submissions (2):

Genetic Services Laboratory, University of Chicago
Classification: Uncertain significance. Last evaluated: 2021-06-21. Review status: criteria provided, single submitter. Criteria: ACMG Guidelines, 2015. Collection method: clinical testing. Allele origin: germline. Affected: no.
Comment: DNA sequence analysis of the DIS3 gene demonstrated a sequence change, c.1552G>A, in exon 11 that results in an amino acid change, p.Ala518Thr. This sequence change has been described in gnomAD with a frequency of 0.011% in Non-Finnish European sub-population (dbSNP rs201719231). The p.Ala518Thr change affects a highly conserved amino acid residue located in a domain of the DIS3 protein that is not known to be functional. In-silico pathogenicity prediction tools (SIFT, PolyPhen2, Align GVGD, REVEL) provide contradictory results for the p.Ala518Thr substitution. This sequence change was identified as a germline variant in one individual with multiple myeloma. Family history included lung, prostate and gynecological cancers (PMID: 30967618). Due to the lack of sufficient evidences, the clinical significance of the p.Ala518Thr change remains unknown at this time.

Breakthrough Genomics
Classification: Uncertain significance. Review status: criteria provided, single submitter. Criteria: ACMG Guidelines, 2015. Collection method: not provided. Allele origin: germline. Inheritance: Unknown mechanism. Affected: yes.

NM_014953.5(DIS3):c.1552G>A (p.Ala518Thr)

Gene: DIS3 (DIS3 homolog, exosome endoribonuclease and 3'-5' exoribonuclease; minus strand). Cytogenetic location: 13q21.33.
Variant type: single nucleotide variant.
Coding change: c.1552G>A on transcript NM_014953.5 (MANE Select); coding-DNA position 1552, G replaced by A.
Protein change: p.Ala518Thr; replaces alanine 518 with threonine.
Molecular consequence: missense variant.
Genome position (GRCh38, 1-based): chr13:72,771,848, C>T on the plus strand (G>A on the coding strand, the complement: DIS3 is on the minus strand). VCF-style: chr13-72771848-C-T. GRCh37 (hg19) VCF-style: chr13-73345986-C-T.
Other names: c.1462G>A, p.Ala488Thr (NM_001128226.3); c.1183G>A, p.Ala395Thr (NM_001322348.2); c.1066G>A, p.Ala356Thr (NM_001322349.2); short protein forms A356T, A395T, A488T, A518T.
Identifiers: ClinVar variation 1337968 (VCV001337968.5), dbSNP rs201719231, ClinGen allele CA7001301.